The following is an entry in ClinVar:

ClinVar aggregate classification (germline): Uncertain significance (1 of 4 stars; one submission).

gnomAD v4.1: 6 of 1,611,706 alleles (0.00037%); highest among the groups gnomAD compares: Admixed American, 0.0017%; no homozygotes.

Submission:

Ambry Genetics
Classification: Uncertain significance. Last evaluated: 2024-12-22. Review status: criteria provided, single submitter. Criteria: Ambry Variant Classification Scheme 2023. Collection method: clinical testing. Allele origin: germline.
Comment: The p.V1300M variant (also known as c.3898G>A), located in coding exon 17 of the WNK2 gene, results from a G to A substitution at nucleotide position 3898. The valine at codon 1300 is replaced by methionine, an amino acid with highly similar properties. This amino acid position is conserved. In addition, this alteration is predicted to be tolerated by in silico analysis. Based on the available evidence, the clinical significance of this variant remains unclear.

NM_006648.4(WNK2):c.3898G>A (p.Val1300Met)

Gene: WNK2 (WNK lysine deficient protein kinase 2; plus strand). Cytogenetic location: 9q22.31.
Variant type: single nucleotide variant.
Coding change: c.3898G>A on transcript NM_006648.4 (MANE Select); coding-DNA position 3898, G replaced by A.
Protein change: p.Val1300Met; replaces valine 1300 with methionine.
Molecular consequence: missense variant.
Genome position (GRCh38, 1-based): chr9:93,268,050, G>A. VCF-style: chr9-93268050-G-A. GRCh37 (hg19) VCF-style: chr9-96030332-G-A.
Other names: c.3898G>A, p.Val1300Met (NM_001282394.3); short protein forms V1300M.
Identifiers: ClinVar variation 3816600 (VCV003816600.1).
Genomic context (GRCh38, chr9:93,268,050, plus strand): 5'-GGCTCATTTCTGACCCTCCACCTCATTCAGGAGAGCCGACAATCCCAAGCCAACGCCCCC[G>A]TGTATCAGCAGAACGGTGAGTCTGCAACTTCCCTCCCTGCTTTTAAGCAGGCGTTTGATG-3'
Protein context (NP_006639.3, residues 1290-1310): ESRQSQANAP[Val1300Met]YQQNVLHTGK